The following is an entry in ClinVar:

NM_024700.4(SNIP1):c.652G>A (p.Val218Met)

Genes: SNIP1 (Smad nuclear interacting protein 1; minus strand), LOC126805704 (BRD4-independent group 4 enhancer GRCh37_chr1:38005292-38006491; plus strand). Cytogenetic location: 1p34.3.
Variant type: single nucleotide variant.
Coding change: c.652G>A on transcript NM_024700.4 (MANE Select); coding-DNA position 652, G replaced by A.
Protein change: p.Val218Met; replaces valine 218 with methionine.
Molecular consequence: missense variant.
Genome position (GRCh38, 1-based): chr1:37,540,431, C>T on the plus strand (G>A on the coding strand, the complement: SNIP1 is on the minus strand). VCF-style: chr1-37540431-C-T. GRCh37 (hg19) VCF-style: chr1-38006032-C-T.
Other names: short protein forms V218M.
Identifiers: ClinVar variation 2195774 (VCV002195774.4), dbSNP rs1643159335, ClinGen allele CA339450567.

ClinVar aggregate classification (germline): Uncertain significance (1 of 4 stars; one submission).

Submission:

Labcorp Genetics (formerly Invitae), Labcorp
Classification: Uncertain significance. Last evaluated: 2024-11-11. Review status: criteria provided, single submitter. Criteria: Invitae Variant Classification Sherloc (09022015). Collection method: clinical testing. Allele origin: germline.
Comment: This sequence change replaces valine, which is neutral and non-polar, with methionine, which is neutral and non-polar, at codon 218 of the SNIP1 protein (p.Val218Met). This variant is not present in population databases (gnomAD no frequency). This variant has not been reported in the literature in individuals affected with SNIP1-related conditions. ClinVar contains an entry for this variant (Variation ID: 2195774). Invitae Evidence Modeling of protein sequence and biophysical properties (such as structural, functional, and spatial information, amino acid conservation, physicochemical variation, residue mobility, and thermodynamic stability) indicates that this missense variant is not expected to disrupt SNIP1 protein function with a negative predictive value of 80%. In summary, the available evidence is currently insufficient to determine the role of this variant in disease. Therefore, it has been classified as a Variant of Uncertain Significance.